The following is an entry in ClinVar:

ClinVar aggregate classification (germline): Uncertain significance (1 of 4 stars; one submission).

Conditions:
Hereditary cancer-predisposing syndrome. Also called: Neoplastic Syndromes, Hereditary; Tumor predisposition; Hereditary neoplastic syndrome; Hereditary Cancer Syndrome. Identifiers: Orphanet 140162, MedGen C0027672, MeSH D009386, MONDO:0015356.
Cardiovascular phenotype. Identifiers: MedGen CN230736.

Submission:

Ambry Genetics
Classification: Uncertain significance for Cardiovascular phenotype; Hereditary cancer-predisposing syndrome. Last evaluated: 2024-01-30. Review status: criteria provided, single submitter. Criteria: Ambry Variant Classification Scheme 2023. Collection method: clinical testing. Allele origin: germline.
Comment: The p.K205E variant (also known as c.613A>G), located in coding exon 6 of the NF1 gene, results from an A to G substitution at nucleotide position 613. The lysine at codon 205 is replaced by glutamic acid, an amino acid with similar properties. This amino acid position is highly conserved in available vertebrate species. In addition, this alteration is predicted to be deleterious by in silico analysis. Based on the available evidence, the clinical significance of this alteration remains unclear.

NM_001042492.3(NF1):c.613A>G (p.Lys205Glu)

Gene: NF1 (neurofibromin 1; plus strand). Cytogenetic location: 17q11.2.
Variant type: single nucleotide variant.
Coding change: c.613A>G on transcript NM_001042492.3 (MANE Select); coding-DNA position 613, A replaced by G.
Protein change: p.Lys205Glu; replaces lysine 205 with glutamic acid.
Molecular consequence: missense variant.
Genome position (GRCh38, 1-based): chr17:31,181,448, A>G. VCF-style: chr17-31181448-A-G. GRCh37 (hg19) VCF-style: chr17-29508466-A-G.
Other names: c.613A>G, p.Lys205Glu (NM_000267.4, NM_001128147.3); short protein forms K205E.
Identifiers: ClinVar variation 3237865 (VCV003237865.1), dbSNP rs2544747723.